The following is an entry in ClinVar:

NM_176787.5(PIGN):c.466A>G (p.Thr156Ala)

Gene: PIGN (phosphatidylinositol glycan anchor biosynthesis class N; minus strand). Cytogenetic location: 18q21.33.
Variant type: single nucleotide variant.
Coding change: c.466A>G on transcript NM_176787.5 (MANE Select); coding-DNA position 466, A replaced by G.
Protein change: p.Thr156Ala; replaces threonine 156 with alanine.
Molecular consequence: missense variant.
Genome position (GRCh38, 1-based): chr18:62,154,628, T>C on the plus strand (A>G on the coding strand, the complement: PIGN is on the minus strand). VCF-style: chr18-62154628-T-C. GRCh37 (hg19) VCF-style: chr18-59821861-T-C.
Other names: c.466A>G, p.Thr156Ala (NM_012327.6); short protein forms T156A.
Identifiers: ClinVar variation 2092339 (VCV002092339.4), dbSNP rs2514173855, ClinGen allele CA402602891.

ClinVar aggregate classification (germline): Uncertain significance (1 of 4 stars; one submission).

Conditions:
Multiple congenital anomalies-hypotonia-seizures syndrome 1 (MCAHS1). Also called: GLYCOSYLPHOSPHATIDYLINOSITOL BIOSYNTHESIS DEFECT 3; PIGN-CDG; Congenital disorder of glycosylation due to PIGN deficiency. Identifiers: Orphanet 280633, MedGen C3279775, MONDO:0013563, OMIM 614080.

Allele frequency attached by ClinVar (database versions not stated): gnomAD exomes below 0.00001.
gnomAD v4.1: 2 of 1,562,544 alleles (0.00013%); highest among the groups gnomAD compares: Non-Finnish European, 0.00018%; no homozygotes.

Submission:

Labcorp Genetics (formerly Invitae), Labcorp
Classification: Uncertain significance for Multiple congenital anomalies-hypotonia-seizures syndrome 1. Last evaluated: 2022-02-03. Review status: criteria provided, single submitter. Criteria: Invitae Variant Classification Sherloc (09022015). Collection method: clinical testing. Allele origin: germline.
Comment: In summary, the available evidence is currently insufficient to determine the role of this variant in disease. Therefore, it has been classified as a Variant of Uncertain Significance. Algorithms developed to predict the effect of missense changes on protein structure and function output the following: SIFT: "Not Available"; PolyPhen-2: "Benign"; Align-GVGD: "Not Available". The alanine amino acid residue is found in multiple mammalian species, which suggests that this missense change does not adversely affect protein function. This variant has not been reported in the literature in individuals affected with PIGN-related conditions. This variant is not present in population databases (gnomAD no frequency). This sequence change replaces threonine, which is neutral and polar, with alanine, which is neutral and non-polar, at codon 156 of the PIGN protein (p.Thr156Ala).